The following is an entry in ClinVar:

ClinVar aggregate classification (germline): Uncertain significance (1 of 4 stars; one submission).

Conditions:
Renal cell carcinoma. Identifiers: Orphanet 217071, MedGen C0007134, MeSH D002292, MONDO:0005086, HP:0005584.

Submission:

Labcorp Genetics (formerly Invitae), Labcorp
Classification: Uncertain significance for Renal cell carcinoma. Last evaluated: 2022-01-17. Review status: criteria provided, single submitter. Criteria: Invitae Variant Classification Sherloc (09022015). Collection method: clinical testing. Allele origin: germline.
Comment: This sequence change replaces proline, which is neutral and non-polar, with serine, which is neutral and polar, at codon 1300 of the MET protein (p.Pro1300Ser). This variant is not present in population databases (gnomAD no frequency). This variant has not been reported in the literature in individuals affected with MET-related conditions. Algorithms developed to predict the effect of missense changes on protein structure and function are either unavailable or do not agree on the potential impact of this missense change (SIFT: "Tolerated"; PolyPhen-2: "Probably Damaging"; Align-GVGD: "Class C0"). In summary, the available evidence is currently insufficient to determine the role of this variant in disease. Therefore, it has been classified as a Variant of Uncertain Significance.

NM_000245.4(MET):c.3844C>T (p.Pro1282Ser)

Gene: MET (MET proto-oncogene, receptor tyrosine kinase; plus strand). Cytogenetic location: 7q31.2.
Variant type: single nucleotide variant.
Coding change: c.3844C>T on transcript NM_000245.4 (MANE Select); coding-DNA position 3844, C replaced by T.
Protein change: p.Pro1282Ser; replaces proline 1282 with serine.
Molecular consequence: missense variant.
Genome position (GRCh38, 1-based): chr7:116,795,700, C>T. VCF-style: chr7-116795700-C-T. GRCh37 (hg19) VCF-style: chr7-116435754-C-T.
Other names: c.3898C>T, p.Pro1300Ser (NM_001127500.3); c.2554C>T, p.Pro852Ser (NM_001324402.2); short protein forms P1300S, P852S, P1282S.
Identifiers: ClinVar variation 2084554 (VCV002084554.1), dbSNP rs2117107960, ClinGen allele CA369117820.